The following is an entry in ClinVar:

NM_212482.4(FN1):c.202A>T (p.Thr68Ser)

Gene: FN1 (fibronectin 1; minus strand). Cytogenetic location: 2q35.
Variant type: single nucleotide variant.
Coding change: c.202A>T on transcript NM_212482.4 (MANE Select); coding-DNA position 202, A replaced by T.
Protein change: p.Thr68Ser; replaces threonine 68 with serine.
Molecular consequence: missense variant.
Genome position (GRCh38, 1-based): chr2:215,434,771, T>A on the plus strand (A>T on the coding strand, the complement: FN1 is on the minus strand). VCF-style: chr2-215434771-T-A. GRCh37 (hg19) VCF-style: chr2-216299494-T-A.
Other names: c.202A>T, p.Thr68Ser (NM_001306129.2, NM_001306130.2, NM_001306131.2 and 14 more transcripts); short protein forms T68S.
Identifiers: ClinVar variation 712430 (VCV000712430.13), dbSNP rs141292419, ClinGen allele CA2095649.

ClinVar aggregate classification (germline): Likely benign. Review status: criteria provided, multiple submitters, no conflicts (2 of 4 stars). 3 submissions from 3 submitters: Likely benign (2). 1 of the submissions does not count toward it. Last evaluated 2025-10-20.

Conditions:
FN1-related disorder. Also called: FN1-related condition.

Allele frequency attached by ClinVar (database versions not stated): gnomAD exomes 0.00010 and 0.00025; ExAC 0.00026; ESP Exome Variant Server 0.00077; gnomAD 0.00089 and 0.00093; TOPMed 0.00102; 1000 Genomes Project 0.00140; 1000 Genomes Project 30x 0.00187.
gnomAD v4.1: 286 of 1,614,084 alleles (0.018%); highest among the groups gnomAD compares: African/African-American, 0.35%; no homozygotes.

Submissions (3):

Labcorp Genetics (formerly Invitae), Labcorp
Classification: Likely benign. Last evaluated: 2025-10-20. Review status: criteria provided, single submitter. Criteria: Invitae Variant Classification Sherloc (09022015). Collection method: clinical testing. Allele origin: germline.

Breakthrough Genomics
Classification: Likely benign. Review status: criteria provided, single submitter. Criteria: ACMG Guidelines, 2015. Collection method: not provided. Allele origin: germline. Inheritance: Autosomal dominant inheritance. Affected: yes.

PreventionGenetics, part of Exact Sciences
Classification: Likely benign for FN1-related condition. Last evaluated: 2020-03-03. Review status: no assertion criteria provided. Collection method: clinical testing. Allele origin: germline. Not counted in ClinVar's aggregate classification.
Comment: This variant is classified as likely benign based on ACMG/AMP sequence variant interpretation guidelines (Richards et al. 2015 PMID: 25741868, with internal and published modifications).